The following is an entry in ClinVar:

ClinVar aggregate classification (germline): Uncertain significance. Review status: criteria provided, multiple submitters, no conflicts (2 of 4 stars). 2 submissions from 2 submitters: Uncertain significance (2). Last evaluated 2025-02-12.

Conditions:
Inflammatory bowel disease 25. Also called: Inflammatory bowel disease 25, early onset, autosomal recessive. Identifiers: Orphanet 238569, MedGen C2675508, MONDO:0012941, OMIM 612567.
Inborn genetic diseases. Identifiers: MedGen C0950123, MeSH D030342.

Allele frequency attached by ClinVar (database versions not stated): gnomAD exomes below 0.00001; ExAC 0.00001.
gnomAD v4.1: 3 of 1,613,630 alleles (0.00019%); highest among the groups gnomAD compares: South Asian, 0.0011%; no homozygotes.

Submissions (2):

Ambry Genetics
Classification: Uncertain significance for Inborn genetic diseases. Last evaluated: 2025-02-12. Review status: criteria provided, single submitter. Criteria: Ambry Variant Classification Scheme 2023. Collection method: clinical testing. Allele origin: germline.

Labcorp Genetics (formerly Invitae), Labcorp
Classification: Uncertain significance for Inflammatory bowel disease 25. Last evaluated: 2022-06-26. Review status: criteria provided, single submitter. Criteria: Invitae Variant Classification Sherloc (09022015). Collection method: clinical testing. Allele origin: germline.
Comment: This sequence change replaces methionine, which is neutral and non-polar, with isoleucine, which is neutral and non-polar, at codon 20 of the IL10RB protein (p.Met20Ile). This variant is present in population databases (rs749393922, gnomAD 0.0009%). This variant has not been reported in the literature in individuals affected with IL10RB-related conditions. Algorithms developed to predict the effect of missense changes on protein structure and function (SIFT, PolyPhen-2, Align-GVGD) all suggest that this variant is likely to be tolerated. In summary, the available evidence is currently insufficient to determine the role of this variant in disease. Therefore, it has been classified as a Variant of Uncertain Significance.

NM_000628.5(IL10RB):c.60G>A (p.Met20Ile)

Genes: IFNAR2-IL10RB (IFNAR2-IL10RB readthrough; plus strand), IL10RB (interleukin 10 receptor subunit beta; plus strand). Cytogenetic location: 21q22.11.
Variant type: single nucleotide variant.
Coding change: c.60G>A on transcript NM_000628.5 (MANE Select); coding-DNA position 60, G replaced by A.
Protein change: p.Met20Ile; replaces methionine 20 with isoleucine.
Molecular consequence: missense variant. On other transcripts: non-coding transcript variant (1).
Genome position (GRCh38, 1-based): chr21:33,268,404, G>A. VCF-style: chr21-33268404-G-A. GRCh37 (hg19) VCF-style: chr21-34640709-G-A.
Other names: c.720G>A, p.Met240Ile (NM_001414505.1); c.60G>A, p.Met20Ile (NM_001405849.1, NM_001405850.1, NM_001406840.1); short protein forms M240I, M20I.
Identifiers: ClinVar variation 1995647 (VCV001995647.2), dbSNP rs749393922, ClinGen allele CA10006062.